The following is an entry in ClinVar:

ClinVar aggregate classification (germline): Uncertain significance (1 of 4 stars; one submission).

Conditions:
Adams-Oliver syndrome 5 (AOS5). Identifiers: Orphanet 974, MedGen C4014970, MONDO:0014459, OMIM 616028.

Submission:

Labcorp Genetics (formerly Invitae), Labcorp
Classification: Uncertain significance for Adams-Oliver syndrome 5. Last evaluated: 2023-12-19. Review status: criteria provided, single submitter. Criteria: Invitae Variant Classification Sherloc (09022015). Collection method: clinical testing. Allele origin: germline.
Comment: This sequence change replaces glycine, which is neutral and non-polar, with cysteine, which is neutral and slightly polar, at codon 1091 of the NOTCH1 protein (p.Gly1091Cys). This variant is not present in population databases (gnomAD no frequency). This variant has not been reported in the literature in individuals affected with NOTCH1-related conditions. Advanced modeling of protein sequence and biophysical properties (such as structural, functional, and spatial information, amino acid conservation, physicochemical variation, residue mobility, and thermodynamic stability) performed at Invitae indicates that this missense variant is expected to disrupt NOTCH1 protein function with a positive predictive value of 80%. In summary, the available evidence is currently insufficient to determine the role of this variant in disease. Therefore, it has been classified as a Variant of Uncertain Significance.

NM_017617.5(NOTCH1):c.3271G>T (p.Gly1091Cys)

Gene: NOTCH1 (notch receptor 1; minus strand). Cytogenetic location: 9q34.3.
Variant type: single nucleotide variant.
Coding change: c.3271G>T on transcript NM_017617.5 (MANE Select); coding-DNA position 3271, G replaced by T.
Protein change: p.Gly1091Cys; replaces glycine 1091 with cysteine.
Molecular consequence: missense variant.
Genome position (GRCh38, 1-based): chr9:136,508,286, C>A on the plus strand (G>T on the coding strand, the complement: NOTCH1 is on the minus strand). VCF-style: chr9-136508286-C-A. GRCh37 (hg19) VCF-style: chr9-139402738-C-A.
Other names: short protein forms G1091C.
Identifiers: ClinVar variation 2704345 (VCV002704345.3), dbSNP rs768095251, ClinGen allele CA375552014.